The following is an entry in ClinVar:

NM_000516.7(GNAS):c.1038+3G>A

Gene: GNAS (GNAS complex locus; plus strand). Cytogenetic location: 20q13.32.
Variant type: single nucleotide variant.
Coding change: c.1038+3G>A on transcript NM_000516.7 (MANE Select); 3 bases into the intron after coding-DNA position 1038, G replaced by A.
Molecular consequence: intron variant.
Genome position (GRCh38, 1-based): chr20:58,910,404, G>A. VCF-style: chr20-58910404-G-A. GRCh37 (hg19) VCF-style: chr20-57485459-G-A.
Other names: c.*944+3G>A (NM_016592.5); c.942+3G>A (NM_001410912.1); c.861+3G>A (NM_001309861.2, NM_001309840.2); c.*899+3G>A (NM_001077490.3); c.2967+3G>A (NM_080425.4); c.2922+3G>A (NM_001410913.1); c.1041+3G>A (NM_001077488.5); c.996+3G>A (NM_080426.4); and 1 more.
Identifiers: ClinVar variation 2705090 (VCV002705090.3), dbSNP rs2146300665, ClinGen allele CA2653524944.

ClinVar aggregate classification (germline): Uncertain significance (1 of 4 stars; one submission).

Allele frequency attached by ClinVar (database versions not stated): gnomAD exomes below 0.00001.
gnomAD v4.1: 2 of 1,606,208 alleles (0.00012%); highest among the groups gnomAD compares: Non-Finnish European, 0.00017%; no homozygotes.

Submission:

Labcorp Genetics (formerly Invitae), Labcorp
Classification: Uncertain significance. Last evaluated: 2024-01-07. Review status: criteria provided, single submitter. Criteria: Invitae Variant Classification Sherloc (09022015). Collection method: clinical testing. Allele origin: germline.
Comment: This sequence change falls in intron 12 of the GNAS gene. It does not directly change the encoded amino acid sequence of the GNAS protein. It affects a nucleotide within the consensus splice site. This variant is not present in population databases (gnomAD no frequency). This variant has not been reported in the literature in individuals affected with GNAS-related conditions. Variants that disrupt the consensus splice site are a relatively common cause of aberrant splicing (PMID: 17576681, 9536098). Algorithms developed to predict the effect of sequence changes on RNA splicing suggest that this variant is not likely to affect RNA splicing. In summary, the available evidence is currently insufficient to determine the role of this variant in disease. Therefore, it has been classified as a Variant of Uncertain Significance.

Literature cited by the submitters: PubMed 17576681; PubMed 9536098.